The following is an entry in ClinVar:

NM_005902.4(SMAD3):c.1108T>C (p.Cys370Arg)

Gene: SMAD3 (SMAD family member 3; plus strand). Cytogenetic location: 15q22.33.
Variant type: single nucleotide variant.
Coding change: c.1108T>C on transcript NM_005902.4 (MANE Select); coding-DNA position 1108, T replaced by C.
Protein change: p.Cys370Arg; replaces cysteine 370 with arginine.
Molecular consequence: missense variant.
Genome position (GRCh38, 1-based): chr15:67,187,463, T>C. VCF-style: chr15-67187463-T-C. GRCh37 (hg19) VCF-style: chr15-67479801-T-C.
Other names: c.793T>C, p.Cys265Arg (NM_001145102.2, NM_001407016.1); c.976T>C, p.Cys326Arg (NM_001145103.2, NM_001407012.1); c.523T>C, p.Cys175Arg (NM_001145104.2, NM_001407017.1); c.1219T>C, p.Cys407Arg (NM_001407011.1); c.970T>C, p.Cys324Arg (NM_001407013.1); c.961T>C, p.Cys321Arg (NM_001407014.1); c.661T>C, p.Cys221Arg (NM_001407015.1); short protein forms C175R, C221R, C265R, C321R, C324R, C326R, C370R, C407R.
Identifiers: ClinVar variation 4075713 (VCV004075713.1).

ClinVar aggregate classification (germline): Uncertain significance (1 of 4 stars; one submission).

Submission:

GeneDx
Classification: Uncertain significance. Last evaluated: 2025-02-18. Review status: criteria provided, single submitter. Criteria: GeneDx Variant Classification Process June 2021. Collection method: clinical testing. Allele origin: germline. Affected: yes.
Comment: Not observed at significant frequency in large population cohorts (gnomAD); In silico analysis supports that this missense variant has a deleterious effect on protein structure/function; Has not been previously published as pathogenic or benign to our knowledge